The following is an entry in ClinVar:

ClinVar aggregate classification (germline): Uncertain significance. Review status: criteria provided, multiple submitters, no conflicts (2 of 4 stars). 4 submissions from 4 submitters: Uncertain significance (4). Last evaluated 2025-01-07.

Conditions:
Inborn genetic diseases. Identifiers: MedGen C0950123, MeSH D030342.
Werner syndrome (WRN). Identifiers: Orphanet 902, MedGen C0043119, MONDO:0010196, OMIM 277700.

Allele frequency attached by ClinVar (database versions not stated): gnomAD exomes below 0.00001 and 0.00001; gnomAD 0.00002; TOPMed 0.00002.
gnomAD v4.1: 25 of 1,613,964 alleles (0.0015%); highest among the groups gnomAD compares: Non-Finnish European, 0.0019%; no homozygotes.

Submissions (4):

Ambry Genetics
Classification: Uncertain significance for Inborn genetic diseases. Last evaluated: 2025-01-07. Review status: criteria provided, single submitter. Criteria: Ambry Variant Classification Scheme 2023. Collection method: clinical testing. Allele origin: germline.

Labcorp Genetics (formerly Invitae), Labcorp
Classification: Uncertain significance for Werner syndrome. Last evaluated: 2024-05-13. Review status: criteria provided, single submitter. Criteria: Invitae Variant Classification Sherloc (09022015). Collection method: clinical testing. Allele origin: germline.
Comment: This sequence change replaces lysine, which is basic and polar, with arginine, which is basic and polar, at codon 1045 of the WRN protein (p.Lys1045Arg). This variant is present in population databases (rs369095273, gnomAD 0.0009%). This variant has not been reported in the literature in individuals affected with WRN-related conditions. ClinVar contains an entry for this variant (Variation ID: 404019). Algorithms developed to predict the effect of missense changes on protein structure and function output the following: SIFT: "Not Available"; PolyPhen-2: "Benign"; Align-GVGD: "Not Available". The arginine amino acid residue is found in multiple mammalian species, which suggests that this missense change does not adversely affect protein function. In summary, the available evidence is currently insufficient to determine the role of this variant in disease. Therefore, it has been classified as a Variant of Uncertain Significance.

Fulgent Genetics
Classification: Uncertain significance for Werner syndrome. Last evaluated: 2024-03-24. Review status: criteria provided, single submitter. Criteria: ACMG Guidelines, 2015. Collection method: clinical testing. Allele origin: germline.

GeneDx
Classification: Uncertain significance. Last evaluated: 2019-04-12. Review status: criteria provided, single submitter. Criteria: GeneDx Variant Classification Process June 2021. Collection method: clinical testing. Allele origin: germline. Affected: yes.
Comment: Not observed at a significant frequency in large population cohorts (Lek et al., 2016); Has not been previously published as pathogenic or benign to our knowledge; This variant is associated with the following publications: (PMID: 30019023)

NM_000553.6(WRN):c.3134A>G (p.Lys1045Arg)

Gene: WRN (WRN RecQ like helicase; plus strand). Cytogenetic location: 8p12.
Variant type: single nucleotide variant.
Coding change: c.3134A>G on transcript NM_000553.6 (MANE Select); coding-DNA position 3134, A replaced by G.
Protein change: p.Lys1045Arg; replaces lysine 1045 with arginine.
Molecular consequence: missense variant.
Genome position (GRCh38, 1-based): chr8:31,141,596, A>G. VCF-style: chr8-31141596-A-G. GRCh37 (hg19) VCF-style: chr8-30999112-A-G.
Other names: short protein forms K1045R.
Identifiers: ClinVar variation 404019 (VCV000404019.14), dbSNP rs369095273, ClinGen allele CA16612507.